The following is an entry in ClinVar:

ClinVar aggregate classification (germline): Uncertain significance (1 of 4 stars; one submission).

Conditions:
Intellectual disability-microcephaly-strabismus-behavioral abnormalities syndrome. Also called: White-Sutton Syndrome. Identifiers: Orphanet 468678, MedGen C4225351, MONDO:0014606, OMIM 616364.

Submission:

Molecular Genetics, Royal Melbourne Hospital
Classification: Uncertain significance for Intellectual disability-microcephaly-strabismus-behavioral abnormalities syndrome. Last evaluated: 2021-10-01. Review status: criteria provided, single submitter. Criteria: ACMG Guidelines, 2015. Collection method: clinical testing. Allele origin: germline.
Comment: This sequence change in POGZ is predicted to replace threonine with alanine at codon 40 (p.(Thr40Ala)). The threonine residue is moderately conserved (100 vertebrates, UCSC), and is located in a region of moderate missense constraint in no annotated domain (DECIPHER). There is a small physicochemical difference between threonine and alanine. This variant is absent from gnomAD v2.1 and v3.1. To our knowledge, this variant has not been reported in the literature in any individuals with a neurodevelopmental condition. Multiple lines of computational evidence predict a benign effect for the missense substitution (6/6 algorithms). Based on the classification scheme RMH Modified ACMG Guidelines v1.4.0, this variant is classified as a VARIANT OF UNCERTAIN SIGNIFICANCE. Following criteria are met: PM2_Supporting, BP4.

NM_015100.4(POGZ):c.118A>G (p.Thr40Ala)

Gene: POGZ (pogo transposable element derived with ZNF domain; minus strand). Cytogenetic location: 1q21.3.
Variant type: single nucleotide variant.
Coding change: c.118A>G on transcript NM_015100.4 (MANE Select); coding-DNA position 118, A replaced by G.
Protein change: p.Thr40Ala; replaces threonine 40 with alanine.
Molecular consequence: missense variant.
Genome position (GRCh38, 1-based): chr1:151,442,087, T>C on the plus strand (A>G on the coding strand, the complement: POGZ is on the minus strand). VCF-style: chr1-151442087-T-C. GRCh37 (hg19) VCF-style: chr1-151414563-T-C.
Other names: c.118A>G, p.Thr40Ala (NM_001194937.2, NM_001194938.2, NM_145796.4 and 1 more transcripts); short protein forms T40A.
Identifiers: ClinVar variation 1676247 (VCV001676247.2), dbSNP rs2102370481, ClinGen allele CA341985953.